The following is an entry in ClinVar:

ClinVar aggregate classification (germline): Uncertain significance (1 of 4 stars; one submission).

Conditions:
Epilepsy, X-linked 1, with variable learning disabilities and behavior disorders. Also called: X-linked epilepsy-learning disabilities-behavior disorders syndrome. Identifiers: Orphanet 85294, MedGen C5774177, MONDO:0010339, OMIM 300491.

gnomAD v4.1: 4 of 1,202,306 alleles (0.00033%); highest among the groups gnomAD compares: Non-Finnish European, 0.00045%; no homozygotes.

Submission:

Labcorp Genetics (formerly Invitae), Labcorp
Classification: Uncertain significance for Epilepsy, X-linked 1, with variable learning disabilities and behavior disorders. Last evaluated: 2023-11-17. Review status: criteria provided, single submitter. Criteria: Invitae Variant Classification Sherloc (09022015). Collection method: clinical testing. Allele origin: germline.
Comment: This sequence change replaces valine, which is neutral and non-polar, with leucine, which is neutral and non-polar, at codon 410 of the SYN1 protein (p.Val410Leu). The frequency data for this variant in the population databases is considered unreliable, as metrics indicate poor data quality at this position in the gnomAD database. This variant has not been reported in the literature in individuals affected with SYN1-related conditions. An algorithm developed to predict the effect of missense changes on protein structure and function (PolyPhen-2) suggests that this variant is likely to be disruptive. In summary, the available evidence is currently insufficient to determine the role of this variant in disease. Therefore, it has been classified as a Variant of Uncertain Significance.

NM_006950.3(SYN1):c.1228G>T (p.Val410Leu)

Gene: SYN1 (synapsin I; minus strand). Cytogenetic location: Xp11.3.
Variant type: single nucleotide variant.
Coding change: c.1228G>T on transcript NM_006950.3 (MANE Select); coding-DNA position 1228, G replaced by T.
Protein change: p.Val410Leu; replaces valine 410 with leucine.
Molecular consequence: missense variant.
Genome position (GRCh38, 1-based): chrX:47,575,205, C>A on the plus strand (G>T on the coding strand, the complement: SYN1 is on the minus strand). VCF-style: chrX-47575205-C-A. GRCh37 (hg19) VCF-style: chrX-47434604-C-A.
Other names: c.1228G>T, p.Val410Leu (NM_133499.2); short protein forms V410L.
Identifiers: ClinVar variation 3003888 (VCV003003888.3), dbSNP rs1237229229, ClinGen allele CA412825636.